The following is an entry in ClinVar:

ClinVar aggregate classification (germline): Likely pathogenic (1 of 4 stars; one submission).

Conditions:
ENAM-related disorder. Also called: ENAM-related condition.

gnomAD v4.1: 2 of 1,613,998 alleles (0.00012%); highest among the groups gnomAD compares: Admixed American, 0.0017%; no homozygotes.

Submission:

PreventionGenetics, part of Exact Sciences
Classification: Likely pathogenic for ENAM-related condition. Last evaluated: 2026-05-12. Review status: criteria provided, single submitter. Criteria: ACMG Guidelines, 2015. Collection method: clinical testing. Allele origin: germline.
Comment: The ENAM c.2361G>A variant is predicted to result in premature protein termination (p.Trp787*). To our knowledge, this variant has not been reported in the literature. This variant is reported in 0.0029% of alleles in individuals of Latino descent in gnomAD. Nonsense variants in ENAM are expected to be pathogenic. This variant is interpreted as likely pathogenic.

NM_031889.3(ENAM):c.2361G>A (p.Trp787Ter)

Gene: ENAM (enamelin; plus strand). Cytogenetic location: 4q13.3.
Variant type: single nucleotide variant.
Coding change: c.2361G>A on transcript NM_031889.3 (MANE Select); coding-DNA position 2361, G replaced by A.
Protein change: p.Trp787Ter; replaces tryptophan 787 with a stop codon.
Molecular consequence: nonsense.
Genome position (GRCh38, 1-based): chr4:70,643,787, G>A. VCF-style: chr4-70643787-G-A. GRCh37 (hg19) VCF-style: chr4-71509504-G-A.
Other names: c.1707G>A, p.Trp569Ter (NM_001368133.1); short protein forms W569*, W787*.
Identifiers: ClinVar variation 4989296 (VCV004989296.1).